The following is an entry in ClinVar:

ClinVar aggregate classification (germline): Pathogenic (1 of 4 stars; one submission).

Submission:

Labcorp Genetics (formerly Invitae), Labcorp
Classification: Pathogenic. Last evaluated: 2025-02-10. Review status: criteria provided, single submitter. Criteria: Invitae Variant Classification Sherloc (09022015). Collection method: clinical testing. Allele origin: germline.
Comment: This sequence change creates a premature translational stop signal (p.Tyr1832Leufs*11) in the DOCK6 gene. It is expected to result in an absent or disrupted protein product. Loss-of-function variants in DOCK6 are known to be pathogenic (PMID: 21820096, 25824905). This variant is not present in population databases (gnomAD no frequency). This variant has not been reported in the literature in individuals affected with DOCK6-related conditions. For these reasons, this variant has been classified as Pathogenic.

Literature cited by the submitters: PubMed 21820096; PubMed 25824905.

NM_020812.4(DOCK6):c.5494dup (p.Tyr1832fs)

Gene: DOCK6 (dedicator of cytokinesis 6; minus strand). Cytogenetic location: 19p13.2.
Variant type: Duplication.
Coding change: c.5494dup on transcript NM_020812.4 (MANE Select); coding-DNA position 5494, one base duplicated (T; older notation c.5494dupT).
Protein change: p.Tyr1832fs; shifts the reading frame from tyrosine 1832.
Molecular consequence: frameshift variant.
Genome position (GRCh38, 1-based): chr19:11,202,083, A duplicated on the plus strand (T on the coding strand, the reverse complement: DOCK6 is on the minus strand). VCF-style (leftmost placement, unchanged base first): chr19-11202082-T-TA. GRCh37 (hg19) VCF-style: chr19-11312758-T-TA.
Other names: c.5599dup, p.Tyr1867fs (NM_001367830.1); short protein forms Y1832fs, Y1867fs.
Identifiers: ClinVar variation 3649519 (VCV003649519.2).